The following is an entry in ClinVar:

NM_024642.5(GALNT12):c.261G>A (p.Gln87=)

Gene: GALNT12 (polypeptide N-acetylgalactosaminyltransferase 12; plus strand). Cytogenetic location: 9q22.33.
Variant type: single nucleotide variant.
Coding change: c.261G>A on transcript NM_024642.5 (MANE Select); coding-DNA position 261, G replaced by A.
Protein change: p.Gln87=; no amino-acid change (glutamine 87 retained).
Molecular consequence: synonymous variant.
Genome position (GRCh38, 1-based): chr9:98,807,959, G>A. VCF-style: chr9-98807959-G-A. GRCh37 (hg19) VCF-style: chr9-101570241-G-A.
Identifiers: ClinVar variation 2451781 (VCV002451781.3), dbSNP rs2490455936, ClinGen allele CA466647510.

ClinVar aggregate classification (germline): Benign/Likely benign. Review status: criteria provided, multiple submitters, no conflicts (2 of 4 stars). 2 submissions from 2 submitters: Benign (1); Likely benign (1). Last evaluated 2026-04-23.

Conditions:
Colorectal cancer, susceptibility to, 1. Also called: COLORECTAL ADENOMA AND CANCER, SUSCEPTIBILITY TO; COLORECTAL CANCER, SUSCEPTIBILITY TO, ON CHROMOSOME 9. Identifiers: MedGen C1837315, MONDO:0012132, OMIM 608812.

Submissions (2):

Myriad Genetics, Inc.
Classification: Benign for Colorectal cancer, susceptibility to, 1. Last evaluated: 2026-04-23. Review status: criteria provided, single submitter. Criteria: Myriad Autosomal Dominant, Autosomal Recessive and X-Linked Classification Criteria (2023). Collection method: clinical testing. Allele origin: unknown.
Comment: This variant is considered benign. This variant is a silent/synonymous amino acid change and it is not expected to impact splicing.

Ambry Genetics
Classification: Likely benign. Last evaluated: 2023-02-03. Review status: criteria provided, single submitter. Criteria: Ambry Variant Classification Scheme 2023. Collection method: clinical testing. Allele origin: germline.